The following is an entry in ClinVar:

ClinVar aggregate classification (germline): Uncertain significance (1 of 4 stars; one submission).

Conditions:
PAX6-related disorder. Also called: PAX6-related disorders; PAX6-related condition.

gnomAD v4.1: 3 of 1,580,734 alleles (0.00019%); highest among the groups gnomAD compares: Non-Finnish European, 0.00017%; no homozygotes.

Submission:

PreventionGenetics, part of Exact Sciences
Classification: Uncertain significance for PAX6-related condition. Last evaluated: 2025-07-21. Review status: criteria provided, single submitter. Criteria: ACMG Guidelines, 2015. Collection method: clinical testing. Allele origin: germline.
Comment: The PAX6 c.1062C>A variant is predicted to result in the amino acid substitution p.Asn354Lys. In an alternate transcript, this variant is found within an intronic region (NM_000280.4:c.1032+30C>A). This variant has been reported in 1 heterozygous individual within the 'other' subpopulation in gnomAD. At this time, the clinical significance of this variant is uncertain due to the absence of conclusive functional and genetic evidence.

NM_001368894.2(PAX6):c.1074+30C>A

Gene: PAX6 (paired box 6; minus strand). Cytogenetic location: 11p13.
Variant type: single nucleotide variant.
Coding change: c.1074+30C>A on transcript NM_001368894.2 (MANE Select); 30 bases into the intron after coding-DNA position 1074, C replaced by A.
Molecular consequence: intron variant. On other transcripts: missense variant (1).
Genome position (GRCh38, 1-based): chr11:31,793,408, G>T on the plus strand (C>A on the coding strand, the complement: PAX6 is on the minus strand). VCF-style: chr11-31793408-G-T. GRCh37 (hg19) VCF-style: chr11-31814956-G-T.
Other names: c.1062C>A, p.Asn354Lys (NM_001310159.1); c.1032+30C>A (NM_001127612.3, NM_001368890.2, NM_001368888.2 and 9 more transcripts); c.873+30C>A (NM_001368921.2, NM_001368923.2, NM_001368926.2 and 4 more transcripts); c.1074+30C>A (NM_001258462.3, NM_001310158.2, NM_001258463.2 and 6 more transcripts); c.1149+30C>A (NM_001368919.2, NM_001368918.2); c.1275+30C>A (NM_001368910.2); c.624+30C>A (NM_001368909.2, NM_001368904.2, NM_001368905.2 and 11 more transcripts); c.1077+30C>A (NM_001368911.2); and 3 more; short protein forms N354K.
Identifiers: ClinVar variation 4983734 (VCV004983734.1).